The following is an entry in ClinVar:

NM_020911.2(PLXNA4):c.3174C>T (p.Ile1058=)

Gene: PLXNA4 (plexin A4; minus strand). Cytogenetic location: 7q32.3.
Variant type: single nucleotide variant.
Coding change: c.3174C>T on transcript NM_020911.2 (MANE Select); coding-DNA position 3174, C replaced by T.
Protein change: p.Ile1058=; no amino-acid change (isoleucine 1058 retained).
Molecular consequence: synonymous variant.
Genome position (GRCh38, 1-based): chr7:132,182,175, G>A on the plus strand (C>T on the coding strand, the complement: PLXNA4 is on the minus strand). VCF-style: chr7-132182175-G-A. GRCh37 (hg19) VCF-style: chr7-131866934-G-A.
Other names: c.3174C>T, p.Ile1058= (NM_001393897.1).
Identifiers: ClinVar variation 3350857 (VCV003350857.1).

ClinVar aggregate classification (germline): Likely benign (0 of 4 stars; one submission).

Conditions:
PLXNA4-related disorder. Also called: PLXNA4-related condition.

gnomAD v4.1: 28 of 1,614,030 alleles (0.0017%); highest among the groups gnomAD compares: Middle Eastern, 0.016%; no homozygotes.

Submission:

PreventionGenetics, part of Exact Sciences
Classification: Likely benign for PLXNA4-related condition. Last evaluated: 2024-08-20. Review status: no assertion criteria provided. Collection method: clinical testing. Allele origin: germline.
Comment: This variant is classified as likely benign based on ACMG/AMP sequence variant interpretation guidelines (Richards et al. 2015 PMID: 25741868, with internal and published modifications).